The following is an entry in ClinVar:

ClinVar aggregate classification (germline): Pathogenic/Likely pathogenic. Review status: criteria provided, multiple submitters, no conflicts (2 of 4 stars). 3 submissions from 3 submitters: Pathogenic (2); Likely pathogenic (1). Last evaluated 2026-01-06.

Conditions:
Catecholaminergic polymorphic ventricular tachycardia (CVPT). Also called: Catecholamine-induced polymorphic ventricular tachycardia. Identifiers: Orphanet 3286, MedGen C5574922, MONDO:0017990.
Catecholaminergic polymorphic ventricular tachycardia 1. Also called: VENTRICULAR TACHYCARDIA, CATECHOLAMINERGIC POLYMORPHIC, 1, WITH OR WITHOUT ATRIAL DYSFUNCTION AND/OR DILATED CARDIOMYOPATHY; VENTRICULAR TACHYCARDIA, STRESS-INDUCED POLYMORPHIC 1; RYR2-Related Catecholaminergic Polymorphic Ventricular Tachycardia. Identifiers: Orphanet 3286, MedGen C1631597, MONDO:0011484, OMIM 604772.

Submissions (3):

Labcorp Genetics (formerly Invitae), Labcorp
Classification: Pathogenic for Catecholaminergic polymorphic ventricular tachycardia 1. Last evaluated: 2026-01-06. Review status: criteria provided, single submitter. Criteria: Invitae Variant Classification Sherloc (09022015). Collection method: clinical testing. Allele origin: germline.
Comment: This sequence change creates a premature translational stop signal (p.Glu142Lysfs*33) in the TRDN gene. It is expected to result in an absent or disrupted protein product. Loss-of-function variants in TRDN are known to be pathogenic (PMID: 22422768, 25922419, 26200674, 30649896). The frequency data for this variant in the population databases is considered unreliable, as metrics indicate poor data quality at this position in the gnomAD database. This premature translational stop signal has been observed in individual(s) with clinical features of TRDN-related conditions (PMID: 30649896). ClinVar contains an entry for this variant (Variation ID: 1074440). For these reasons, this variant has been classified as Pathogenic.

Laboratory of Genetics, Children's Clinical University Hospital Latvia
Classification: Pathogenic. Last evaluated: 2025-02-16. Review status: criteria provided, single submitter. Criteria: ACMG Guidelines, 2015. Collection method: clinical testing. Allele origin: germline. Affected: yes.

Laboratory for Molecular Medicine, Mass General Brigham Personalized Medicine
Classification: Likely pathogenic for Catecholaminergic polymorphic ventricular tachycardia. Last evaluated: 2022-03-30. Review status: criteria provided, single submitter. Criteria: ACMG Guidelines, 2015. Collection method: clinical testing. Allele origin: germline. Inheritance: Autosomal recessive inheritance.
Comment: The p.Glu142LysfsX33 variant in TRDN has been reported in homozygous state in 1 individual with TRDN-associated condition (Clemens 2019 PMID: 30649896). It has also been identified in 0.02% (2/11134) of South Asian chromosomes by gnomAD. This variant has also been reported in ClinVar (Variation ID 1074440). This variant is predicted to cause a frameshift, which alters the protein’s amino acid sequence beginning at position 142 and leads to a premature termination codon 33 amino acids downstream. This alteration is then predicted to lead to a truncated or absent protein. Loss of function of the TRDN gene is an established disease mechanism in autosomal recessive TRDN-associated catecholaminergic polymorphic ventricular tachycardia (CPVT). In summary, although additional studies are required to fully establish its clinical significance, this variant meets criteria to be classified as likely pathogenic for autosomal recessive CPVT. ACMG/AMP Criteria applied: PVS1, PM3.

Literature cited by the submitters: PubMed 22422768 (cited by Labcorp Genetics (formerly Invitae), Labcorp); PubMed 25922419 (cited by Labcorp Genetics (formerly Invitae), Labcorp); PubMed 26200674 (cited by Labcorp Genetics (formerly Invitae), Labcorp); PubMed 30649896 (cited by Labcorp Genetics (formerly Invitae), Labcorp and Laboratory for Molecular Medicine, Mass General Brigham Personalized Medicine).

NM_006073.4(TRDN):c.423del (p.Glu142fs)

Gene: TRDN (triadin; minus strand). Cytogenetic location: 6q22.31.
Variant type: Deletion.
Coding change: c.423del on transcript NM_006073.4 (MANE Select); coding-DNA position 423, one base deleted (A; older notation c.423delA).
Protein change: p.Glu142fs; shifts the reading frame from glutamic acid 142.
Molecular consequence: frameshift variant.
Genome position (GRCh38, 1-based): chr6:123,547,341, T deleted on the plus strand (A on the coding strand, the reverse complement: TRDN is on the minus strand); the first of 7 consecutive T bases (chr6:123,547,341-123,547,347); deleting any one gives the same sequence. VCF-style (leftmost placement, unchanged base first): chr6-123547340-CT-C. GRCh37 (hg19) VCF-style: chr6-123868485-CT-C.
Other names: c.423del, p.Glu142fs (NM_001251987.2, NM_001256020.2, NM_001256021.2 and 1 more transcripts); short protein forms E142fs.
Identifiers: ClinVar variation 1074440 (VCV001074440.50), dbSNP rs757805966, ClinGen allele CA3984389.